The following is an entry in ClinVar:

NM_001458.5(FLNC):c.1519G>A (p.Gly507Arg)

Gene: FLNC (filamin C; plus strand). Cytogenetic location: 7q32.1.
Variant type: single nucleotide variant.
Coding change: c.1519G>A on transcript NM_001458.5 (MANE Select); coding-DNA position 1519, G replaced by A.
Protein change: p.Gly507Arg; replaces glycine 507 with arginine.
Molecular consequence: missense variant.
Genome position (GRCh38, 1-based): chr7:128,840,130, G>A. VCF-style: chr7-128840130-G-A. GRCh37 (hg19) VCF-style: chr7-128480184-G-A.
Other names: p.Gly507Arg; c.1519G>A, p.Gly507Arg (NM_001127487.2); short protein forms G507R.
Identifiers: ClinVar variation 418215 (VCV000418215.61), dbSNP rs189525930, ClinGen allele CA4474368.

ClinVar aggregate classification (germline): Conflicting classifications of pathogenicity. Review status: criteria provided, conflicting classifications (1 of 4 stars). 16 submissions from 16 submitters: Uncertain significance (1); Benign (3); Likely benign (7). 5 of the submissions do not count toward it. Last evaluated 2026-02-01.

Conditions:
FLNC-related disorder. Also called: FLNC-related condition; FLNC-related disorders.
Hypertrophic cardiomyopathy 26. Also called: Cardiomyopathy, familial hypertrophic, 26. Identifiers: Orphanet 75249, MedGen C4310749, MONDO:0014883, OMIM 617047.
Myofibrillar myopathy 5. Also called: Filaminopathy (type); FILAMINOPATHY, AUTOSOMAL DOMINANT. Identifiers: Orphanet 171445, MedGen C1836050, MONDO:0012289, OMIM 609524.
Distal myopathy with posterior leg and anterior hand involvement. Also called: WILLIAMS DISTAL MYOPATHY. Identifiers: Orphanet 63273, MedGen C3279722, MONDO:0013550, OMIM 614065.
Cardiovascular phenotype. Identifiers: MedGen CN230736.
Cardiomyopathy (CMYO). Also called: Cardiomyopathies. Identifiers: Orphanet 167848, MedGen C0878544, MONDO:0004994, HP:0001638. Inheritance: Various modes of inheritance.

Allele frequency attached by ClinVar (database versions not stated): gnomAD 0.00060; TOPMed 0.00060; gnomAD exomes 0.00079 and 0.00099; ExAC 0.00090; ESP Exome Variant Server 0.00096; 1000 Genomes Project 0.00100; 1000 Genomes Project 30x 0.00109.
gnomAD v4.1: 1,533 of 1,614,042 alleles (0.095%); highest among the groups gnomAD compares: Non-Finnish European, 0.11%; 1 homozygote.

Submissions (16):

CeGaT Center for Human Genetics Tuebingen
Classification: Likely benign. Last evaluated: 2026-02-01. Review status: criteria provided, single submitter. Criteria: CeGaT Center For Human Genetics Tuebingen Variant Classification Criteria Version 2. Collection method: clinical testing. Allele origin: germline. Affected: yes. Observed: 6 variant alleles.
Comment: FLNC: PP3, BS1

Labcorp Genetics (formerly Invitae), Labcorp
Classification: Likely benign for Distal myopathy with posterior leg and anterior hand involvement; Myofibrillar myopathy 5; Hypertrophic cardiomyopathy 26. Last evaluated: 2026-01-27. Review status: criteria provided, single submitter. Criteria: Invitae Variant Classification Sherloc (09022015). Collection method: clinical testing. Allele origin: germline.

Mayo Clinic Laboratories, Mayo Clinic
Classification: Likely benign. Last evaluated: 2025-09-09. Review status: criteria provided, single submitter. Criteria: ACMG Guidelines, 2015. Collection method: clinical testing. Allele origin: germline. Observed: 4 variant alleles.
Comment: BS1, BS2, PP3

Blueprint Genetics
Classification: Likely benign. Last evaluated: 2024-11-26. Review status: criteria provided, single submitter. Criteria: ACMG Guidelines, 2015. Collection method: clinical testing. Allele origin: germline.

Women's Health and Genetics/Laboratory Corporation of America, LabCorp
Classification: Likely benign. Last evaluated: 2024-03-31. Review status: criteria provided, single submitter. Criteria: LabCorp Variant Classification Summary - May 2015. Collection method: clinical testing. Allele origin: germline.

ARUP Laboratories, Molecular Genetics and Genomics, ARUP Laboratories
Classification: Likely benign. Last evaluated: 2023-08-23. Review status: criteria provided, single submitter. Criteria: ARUP Molecular Germline Variant Investigation Process 2024. Collection method: clinical testing. Allele origin: germline.

Department of Pathology and Laboratory Medicine, Sinai Health System
Classification: Likely benign for Myofibrillar myopathy 5; Distal myopathy with posterior leg and anterior hand involvement; Hypertrophic cardiomyopathy 26. Last evaluated: 2022-02-03. Review status: criteria provided, single submitter. Criteria: ACMG Guidelines, 2015. Collection method: research. Allele origin: germline.

CHEO Genetics Diagnostic Laboratory, Children's Hospital of Eastern Ontario
Classification: Benign for Cardiomyopathy. Last evaluated: 2021-12-29. Review status: criteria provided, single submitter. Criteria: ACMG Guidelines, 2015. Collection method: clinical testing. Allele origin: germline.

Ambry Genetics
Classification: Benign for Cardiovascular phenotype. Last evaluated: 2021-06-23. Review status: criteria provided, single submitter. Criteria: Ambry Variant Classification Scheme 2023. Collection method: clinical testing. Allele origin: germline.

GeneDx
Classification: Benign. Last evaluated: 2019-08-26. Review status: criteria provided, single submitter. Criteria: GeneDx Variant Classification Process June 2021. Collection method: clinical testing. Allele origin: germline. Affected: yes.
Comment: Has not been previously published in association with FLNC-related disorders to our knowledge; Reported in ClinVar but additional evidence is not available (ClinVar Variant ID# 418215; Landrum et al., 2016); In silico analysis, which includes protein predictors and evolutionary conservation, supports a deleterious effect; This variant is associated with the following publications: (PMID: 26555887)

Eurofins Ntd Llc (ga)
Classification: Uncertain significance. Last evaluated: 2017-02-08. Review status: criteria provided, single submitter. Criteria: EGL Classification Definitions 2015. Collection method: clinical testing. Allele origin: germline. Observed: 1 variant allele, 1 heterozygote.

PreventionGenetics, part of Exact Sciences
Classification: Likely benign for FLNC-related condition. Last evaluated: 2024-03-26. Review status: no assertion criteria provided. Collection method: clinical testing. Allele origin: germline. Not counted in ClinVar's aggregate classification.
Comment: This variant is classified as likely benign based on ACMG/AMP sequence variant interpretation guidelines (Richards et al. 2015 PMID: 25741868, with internal and published modifications).

Clinical Genetics DNA and cytogenetics Diagnostics Lab, Erasmus MC, Erasmus Medical Center
Classification: Likely benign. Review status: no assertion criteria provided. Collection method: clinical testing. Allele origin: germline. Affected: yes. Study: VKGL Data-share Consensus. Not counted in ClinVar's aggregate classification.

Clinical Genetics, Academic Medical Center
Classification: Likely benign. Review status: no assertion criteria provided. Collection method: clinical testing. Allele origin: germline. Affected: yes. Study: VKGL Data-share Consensus. Not counted in ClinVar's aggregate classification.

Genome Diagnostics Laboratory, University Medical Center Utrecht
Classification: Likely benign. Review status: no assertion criteria provided. Collection method: clinical testing. Allele origin: germline. Affected: yes. Study: VKGL Data-share Consensus. Not counted in ClinVar's aggregate classification.

Joint Genome Diagnostic Labs from Nijmegen and Maastricht, Radboudumc and MUMC+
Classification: Likely benign. Review status: no assertion criteria provided. Collection method: clinical testing. Allele origin: germline. Affected: yes. Study: VKGL Data-share Consensus. Not counted in ClinVar's aggregate classification.

Literature cited by the submitters: PubMed 26555887 (cited by Mayo Clinic Laboratories, Mayo Clinic and Ambry Genetics); PubMed 28866788 (cited by Mayo Clinic Laboratories, Mayo Clinic); PubMed 35276540 (cited by Mayo Clinic Laboratories, Mayo Clinic); PubMed 28356264 (cited by Ambry Genetics).